The following is an entry in ClinVar:

ClinVar aggregate classification (germline): Benign/Likely benign. Review status: criteria provided, multiple submitters, no conflicts (2 of 4 stars). 3 submissions from 3 submitters: Benign (1); Likely benign (2). Last evaluated 2024-11-07.

Conditions:
Renal cell carcinoma. Identifiers: Orphanet 217071, MedGen C0007134, MeSH D002292, MONDO:0005086, HP:0005584.
Hereditary cancer-predisposing syndrome. Also called: Hereditary Cancer Syndrome; Hereditary neoplastic syndrome; Tumor predisposition; Neoplastic Syndromes, Hereditary. Identifiers: Orphanet 140162, MedGen C0027672, MeSH D009386, MONDO:0015356.
Papillary renal cell carcinoma type 1 (RCCP1). Also called: RENAL CELL CARCINOMA, PAPILLARY, 1, SOMATIC; Renal adenocarcinoma; Renal cell carcinoma 1; Renal cell carcinoma, somatic. Identifiers: Orphanet 47044, MedGen C1336839, OMIM 605074, HP:0011797.

Allele frequency attached by ClinVar (database versions not stated): gnomAD 0.00001; TOPMed 0.00004.
gnomAD v4.1: 1 of 1,614,008 alleles (0.000062%); highest among the groups gnomAD compares: African/African-American, 0.0013%; no homozygotes.

Submissions (3):

Myriad Genetics, Inc.
Classification: Benign for Papillary renal cell carcinoma type 1. Last evaluated: 2024-11-07. Review status: criteria provided, single submitter. Criteria: Myriad Autosomal Dominant, Autosomal Recessive and X-Linked Classification Criteria (2023). Collection method: clinical testing. Allele origin: unknown.
Comment: This variant is considered benign. This variant is a silent/synonymous amino acid change and it is not expected to impact splicing.

Labcorp Genetics (formerly Invitae), Labcorp
Classification: Likely benign for Renal cell carcinoma. Last evaluated: 2023-10-03. Review status: criteria provided, single submitter. Criteria: Invitae Variant Classification Sherloc (09022015). Collection method: clinical testing. Allele origin: germline.

Ambry Genetics
Classification: Likely benign for Hereditary cancer-predisposing syndrome. Last evaluated: 2020-12-17. Review status: criteria provided, single submitter. Criteria: Ambry Variant Classification Scheme 2023. Collection method: clinical testing. Allele origin: germline.

NM_000245.4(MET):c.1224C>G (p.Gly408=)

Gene: MET (MET proto-oncogene, receptor tyrosine kinase; plus strand). Cytogenetic location: 7q31.2.
Variant type: single nucleotide variant.
Coding change: c.1224C>G on transcript NM_000245.4 (MANE Select); coding-DNA position 1224, C replaced by G.
Protein change: p.Gly408=; no amino-acid change (glycine 408 retained).
Molecular consequence: synonymous variant. On other transcripts: 5 prime UTR variant (1).
Genome position (GRCh38, 1-based): chr7:116,731,691, C>G. VCF-style: chr7-116731691-C-G. GRCh37 (hg19) VCF-style: chr7-116371745-C-G.
Other names: c.1224C>G, p.Gly408= (NM_001127500.3, NM_001324401.3); c.-67C>G (NM_001324402.2).
Identifiers: ClinVar variation 844248 (VCV000844248.13), dbSNP rs965135961, ClinGen allele CA164865715.